The following is an entry in ClinVar:

NM_005026.5(PIK3CD):c.971G>A (p.Arg324His)

Gene: PIK3CD (phosphatidylinositol-4,5-bisphosphate 3-kinase catalytic subunit delta; plus strand). Cytogenetic location: 1p36.22.
Variant type: single nucleotide variant.
Coding change: c.971G>A on transcript NM_005026.5 (MANE Select); coding-DNA position 971, G replaced by A.
Protein change: p.Arg324His; replaces arginine 324 with histidine.
Molecular consequence: missense variant.
Genome position (GRCh38, 1-based): chr1:9,717,577, G>A. VCF-style: chr1-9717577-G-A. GRCh37 (hg19) VCF-style: chr1-9777635-G-A.
Other names: c.971G>A, p.Arg324His (NM_001350234.2); c.884G>A, p.Arg295His (NM_001350235.1); short protein forms R324H, R295H.
Identifiers: ClinVar variation 850940 (VCV000850940.14), dbSNP rs773473376, ClinGen allele CA577042.

ClinVar aggregate classification (germline): Uncertain significance. Review status: criteria provided, multiple submitters, no conflicts (2 of 4 stars). 5 submissions from 5 submitters: Uncertain significance (4). 1 of the submissions does not count toward it. Last evaluated 2025-10-22.

Conditions:
Immunodeficiency 14 (IMD14A). Also called: p110-DELTA-ACTIVATING MUTATION CAUSING SENESCENT T CELLS, LYMPHADENOPATHY, AND IMMUNODEFICIENCY; Activated PI3K Delta Syndrome Type 1 (APDS1); ACTIVATED PI3K-DELTA SYNDROME 1; IMMUNODEFICIENCY 14A WITH LYMPHOPROLIFERATION, AUTOSOMAL DOMINANT. Identifiers: Orphanet 397596, Orphanet 693661, MedGen C5907821, MONDO:0014222, OMIM 615513.
Activated PI3K-delta syndrome. Identifiers: Orphanet 397596, MedGen C3714976, MONDO:0018338.
Inborn genetic diseases. Identifiers: MedGen C0950123, MeSH D030342.

Allele frequency attached by ClinVar (database versions not stated): ExAC below 0.00001; gnomAD 0.00002 and 0.00003; TOPMed 0.00002; gnomAD exomes 0.00002.
gnomAD v4.1: 22 of 1,613,994 alleles (0.0014%); highest among the groups gnomAD compares: South Asian, 0.0055%; no homozygotes.

Submissions (5):

Ambry Genetics
Classification: Uncertain significance for Inborn genetic diseases. Last evaluated: 2025-10-22. Review status: criteria provided, single submitter. Criteria: Ambry Variant Classification Scheme 2023. Collection method: clinical testing. Allele origin: germline.

Labcorp Genetics (formerly Invitae), Labcorp
Classification: Uncertain significance for Activated PI3K-delta syndrome. Last evaluated: 2025-03-22. Review status: criteria provided, single submitter. Criteria: Invitae Variant Classification Sherloc (09022015). Collection method: clinical testing. Allele origin: germline.
Comment: This sequence change replaces arginine, which is basic and polar, with histidine, which is basic and polar, at codon 324 of the PIK3CD protein (p.Arg324His). This variant is present in population databases (rs773473376, gnomAD 0.01%). This variant has not been reported in the literature in individuals affected with PIK3CD-related conditions. ClinVar contains an entry for this variant (Variation ID: 850940). Invitae Evidence Modeling of protein sequence and biophysical properties (such as structural, functional, and spatial information, amino acid conservation, physicochemical variation, residue mobility, and thermodynamic stability) indicates that this missense variant is not expected to disrupt PIK3CD protein function with a negative predictive value of 80%. In summary, the available evidence is currently insufficient to determine the role of this variant in disease. Therefore, it has been classified as a Variant of Uncertain Significance.

Clinical Genomics Laboratory, Washington University in St. Louis
Classification: Uncertain significance for Immunodeficiency 14. Last evaluated: 2023-10-12. Review status: criteria provided, single submitter. Criteria: ACMG Guidelines, 2015. Collection method: clinical testing. Allele origin: germline.
Comment: The PIK3CD c.971G>A (p.Arg324His) variant was identified at a near heterozygous allelic fraction. This variant, to our knowledge, has not been reported in the medical literature. This variant has been reported in the ClinVar database as a germline variant of uncertain significance by two submitters (ClinVar ID: 850940) and in one cancer case as a somatic variant in the cancer database COSMIC (COSMIC ID: COSV63130652). This variant is only observed on 4/152242 alleles in the general population (gnomAD v.3.1.2), indicating it is not a common variant. Computational predictors suggest that the variant does not impact PIK3CD function. Due to limited information, and based on ACMG/AMP guidelines for variant interpretation (Richards S et al., PMID: 25741868), the clinical significance of this variant is uncertain at this time.

Baylor Genetics
Classification: Uncertain significance for Immunodeficiency 14. Last evaluated: 2018-02-27. Review status: criteria provided, single submitter. Criteria: ACMG Guidelines, 2015. Collection method: clinical testing. Allele origin: maternal. Affected: yes.
Comment: This variant was determined to be of uncertain significance according to ACMG Guidelines, 2015 [PMID:25741868].

Rarefied Biosciences Lab
Classification: Likely benign for Activated PI3K-delta syndrome. Review status: no assertion criteria provided. Collection method: research. Allele origin: germline. Affected: yes. Not counted in ClinVar's aggregate classification.
Comment: The PIK3CD c.971G>A (p.Arg324His) variant is extremely rare (gnomAD exomes AF 0.0000123) and predicted to be benign by in silico analysis (AlphaMissense 0.05799). Immunophenotyping revealed low transitional B cells, normal TFH, and no mTOR hyperactivation, providing no evidence for PI3Kδ pathway activation. Based on population data, benign computational predictions, and normal functional testing, this variant is best classified as Likely Benign according to ACMG/AMP guidelines (BS1, BS2, BP4).

Literature cited by the submitters: PubMed 31031754 (cited by Rarefied Biosciences Lab).